The following is an entry in ClinVar:

ClinVar aggregate classification (germline): Benign. Review status: criteria provided, single submitter (1 of 4 stars). 2 submissions from 2 submitters: Benign (1). 1 of the submissions does not count toward it. Last evaluated 2021-10-28.

Conditions:
ADCY10-related disorder. Also called: ADCY10-related condition.

Submissions (2):

Labcorp Genetics (formerly Invitae), Labcorp
Classification: Benign. Last evaluated: 2021-10-28. Review status: criteria provided, single submitter. Criteria: Invitae Variant Classification Sherloc (09022015). Collection method: clinical testing. Allele origin: germline.

PreventionGenetics, part of Exact Sciences
Classification: Likely benign for ADCY10-related condition. Last evaluated: 2024-06-15. Review status: no assertion criteria provided. Collection method: clinical testing. Allele origin: germline. Not counted in ClinVar's aggregate classification.
Comment: This variant is classified as likely benign based on ACMG/AMP sequence variant interpretation guidelines (Richards et al. 2015 PMID: 25741868, with internal and published modifications).

NM_018417.6(ADCY10):c.4483-7dup

Gene: ADCY10 (adenylate cyclase 10; minus strand). Cytogenetic location: 1q24.2.
Variant type: Duplication.
Coding change: c.4483-7dup on transcript NM_018417.6 (MANE Select); 7 bases into the intron before coding-DNA position 4483, one base duplicated (T; older notation c.4483-7dupT).
Molecular consequence: intron variant.
Genome position (GRCh38, 1-based): chr1:167,810,920, A duplicated on the plus strand (T on the coding strand, the reverse complement: ADCY10 is on the minus strand); the first of 8 consecutive A bases (chr1:167,810,920-167,810,927); duplicating any one gives the same sequence. VCF-style (leftmost placement, unchanged base first): chr1-167810919-G-GA. GRCh37 (hg19) VCF-style: chr1-167780156-G-GA.
Other names: c.4483-7dupT (NM_018417.5); c.4024-7dup (NM_001167749.3); c.4207-7dup (NM_001297772.2).
Identifiers: ClinVar variation 1538173 (VCV001538173.9), dbSNP rs754882215, ClinGen allele CA1227001.